The following is an entry in ClinVar:

ClinVar aggregate classification (germline): Uncertain significance. Review status: criteria provided, multiple submitters, no conflicts (2 of 4 stars). 2 submissions from 2 submitters: Uncertain significance (2). Last evaluated 2023-10-20.

Allele frequency attached by ClinVar (database versions not stated): gnomAD exomes 0.00001; ExAC 0.00002; gnomAD 0.00002 and 0.00003; TOPMed 0.00002; ESP Exome Variant Server 0.00008; 1000 Genomes Project 30x 0.00016; 1000 Genomes Project 0.00020.

Submissions (2):

Blueprint Genetics
Classification: Uncertain significance. Last evaluated: 2023-10-20. Review status: criteria provided, single submitter. Criteria: ACMG Guidelines, 2015. Collection method: clinical testing. Allele origin: germline.

Labcorp Genetics (formerly Invitae), Labcorp
Classification: Uncertain significance. Last evaluated: 2022-09-27. Review status: criteria provided, single submitter. Criteria: Invitae Variant Classification Sherloc (09022015). Collection method: clinical testing. Allele origin: germline.
Comment: This sequence change replaces arginine, which is basic and polar, with tryptophan, which is neutral and slightly polar, at codon 134 of the CIB2 protein (p.Arg134Trp). This variant is present in population databases (rs372377919, gnomAD 0.01%). This variant has not been reported in the literature in individuals affected with CIB2-related conditions. ClinVar contains an entry for this variant (Variation ID: 1417924). Algorithms developed to predict the effect of missense changes on protein structure and function are either unavailable or do not agree on the potential impact of this missense change (SIFT: "Not Available"; PolyPhen-2: "Probably Damaging"; Align-GVGD: "Not Available"). In summary, the available evidence is currently insufficient to determine the role of this variant in disease. Therefore, it has been classified as a Variant of Uncertain Significance.

NM_006383.4(CIB2):c.400C>T (p.Arg134Trp)

Gene: CIB2 (calcium and integrin binding family member 2; minus strand). Cytogenetic location: 15q25.1.
Variant type: single nucleotide variant.
Coding change: c.400C>T on transcript NM_006383.4 (MANE Select); coding-DNA position 400, C replaced by T.
Protein change: p.Arg134Trp; replaces arginine 134 with tryptophan.
Molecular consequence: missense variant. On other transcripts: non-coding transcript variant (1).
Genome position (GRCh38, 1-based): chr15:78,105,881, G>A on the plus strand (C>T on the coding strand, the complement: CIB2 is on the minus strand). VCF-style: chr15-78105881-G-A. GRCh37 (hg19) VCF-style: chr15-78398223-G-A.
Other names: c.271C>T, p.Arg91Trp (NM_001271888.2); c.253C>T, p.Arg85Trp (NM_001271889.2); c.415C>T, p.Arg139Trp (NM_001301224.2); short protein forms R134W, R139W, R85W, R91W.
Identifiers: ClinVar variation 1417924 (VCV001417924.4), dbSNP rs372377919, ClinGen allele CA7680177.